The following is an entry in ClinVar:

NM_001384474.1(LOXHD1):c.2920G>A (p.Glu974Lys)

Gene: LOXHD1 (lipoxygenase homology PLAT domains 1; minus strand). Cytogenetic location: 18q21.1.
Variant type: single nucleotide variant.
Coding change: c.2920G>A on transcript NM_001384474.1 (MANE Select); coding-DNA position 2920, G replaced by A.
Protein change: p.Glu974Lys; replaces glutamic acid 974 with lysine.
Molecular consequence: missense variant.
Genome position (GRCh38, 1-based): chr18:46,560,224, C>T on the plus strand (G>A on the coding strand, the complement: LOXHD1 is on the minus strand). VCF-style: chr18-46560224-C-T. GRCh37 (hg19) VCF-style: chr18-44140187-C-T.
Other names: c.2920G>A, p.Glu974Lys (NM_144612.7); short protein forms E974K.
Identifiers: ClinVar variation 2801787 (VCV002801787.3), dbSNP rs1279741756, ClinGen allele CA402370565.

ClinVar aggregate classification (germline): Uncertain significance (1 of 4 stars; one submission).

Allele frequency attached by ClinVar (database versions not stated): gnomAD 0.00001; TOPMed below 0.00001.
gnomAD v4.1: 4 of 1,551,428 alleles (0.00026%); highest among the groups gnomAD compares: Admixed American, 0.002%; no homozygotes.

Submission:

Labcorp Genetics (formerly Invitae), Labcorp
Classification: Uncertain significance. Last evaluated: 2025-01-06. Review status: criteria provided, single submitter. Criteria: Invitae Variant Classification Sherloc (09022015). Collection method: clinical testing. Allele origin: germline.
Comment: This sequence change replaces glutamic acid, which is acidic and polar, with lysine, which is basic and polar, at codon 974 of the LOXHD1 protein (p.Glu974Lys). This variant is present in population databases (no rsID available, gnomAD 0.004%). This variant has not been reported in the literature in individuals affected with LOXHD1-related conditions. ClinVar contains an entry for this variant (Variation ID: 2801787). An algorithm developed to predict the effect of missense changes on protein structure and function (PolyPhen-2) suggests that this variant is likely to be disruptive. In summary, the available evidence is currently insufficient to determine the role of this variant in disease. Therefore, it has been classified as a Variant of Uncertain Significance.